The following is an entry in ClinVar:

NM_198578.4(LRRK2):c.4536+3A>G

Gene: LRRK2 (leucine rich repeat kinase 2; plus strand). Cytogenetic location: 12q12.
Variant type: single nucleotide variant.
Coding change: c.4536+3A>G on transcript NM_198578.4 (MANE Select); 3 bases into the intron after coding-DNA position 4536, A replaced by G.
Molecular consequence: intron variant.
Genome position (GRCh38, 1-based): chr12:40,310,652, A>G. VCF-style: chr12-40310652-A-G. GRCh37 (hg19) VCF-style: chr12-40704454-A-G.
Identifiers: ClinVar variation 703922 (VCV000703922.20), dbSNP rs41286476, ClinGen allele CA6514192.
Genomic context (GRCh38, chr12:40,310,652, plus strand): 5'-ATCTGATGCTTTGGCAAAACTTCGGAAAACCATCATAAACGAGAGCCTTAATTTCAAGGT[A>G]ACATGGTAGGCTGGTAGAGAAATGTAATTTATTGATTCTCAACTGCCTAGAAATGTCAGA-3'

ClinVar aggregate classification (germline): Conflicting classifications of pathogenicity. Review status: criteria provided, conflicting classifications (1 of 4 stars). 6 submissions from 6 submitters: Uncertain significance (3); Benign (1); Likely benign (2). Last evaluated 2025-10-13.

Conditions:
Autosomal dominant Parkinson disease 8. Also called: LRRK2-Related Parkinson Disease; Parkinson disease 8; Parkinson disease 8, susceptibility to. Identifiers: Orphanet 411602, MedGen C1846862, MONDO:0011764, OMIM 607060.
LRRK2-related disorder. Also called: LRRK2-related condition.

Allele frequency attached by ClinVar (database versions not stated): gnomAD exomes 0.00022 and 0.00034; gnomAD 0.00026 and 0.00027; ExAC 0.00028; TOPMed 0.00032; ESP Exome Variant Server 0.00038.
gnomAD v4.1: 370 of 1,612,644 alleles (0.023%); highest among the groups gnomAD compares: Middle Eastern, 0.033%; no homozygotes.

Submissions (6):

PreventionGenetics, part of Exact Sciences
Classification: Uncertain significance for LRRK2-related condition. Last evaluated: 2025-10-13. Review status: criteria provided, single submitter. Criteria: ACMG Guidelines, 2015. Collection method: clinical testing. Allele origin: germline.
Comment: The LRRK2 c.4536+3A>G variant is predicted to interfere with splicing. This variant has been reported alone, and along with variants in other genes, in individuals with Parkinson disease (Patient C, reported as ISV31+3A>G, Zabetian et al. 2005. PubMed ID: 16157909 Reported with a variant in GIGYF2, Patient EP-33, Cristina et al. 2020. PubMed ID: 32870915; Table S2 and S4, Patient 37 reported alone and Patient 71 reported with a PRKN variant, Di Fonzo et al. 2023. PubMed ID: 37750340). This variant is reported in 0.32% of alleles in individuals of Ashkenazi Jewish descent in gnomAD and has conflicting interpretations in ClinVar, ranging from uncertain to benign (Variation ID: 703922). While this variant may be benign, at this time, the clinical significance of this variant is uncertain due to the absence of conclusive functional and genetic evidence.

Labcorp Genetics (formerly Invitae), Labcorp
Classification: Likely benign for Autosomal dominant Parkinson disease 8. Last evaluated: 2025-07-23. Review status: criteria provided, single submitter. Criteria: Invitae Variant Classification Sherloc (09022015). Collection method: clinical testing. Allele origin: germline.

Blueprint Genetics
Classification: Likely benign. Last evaluated: 2024-11-15. Review status: criteria provided, single submitter. Criteria: ACMG Guidelines, 2015. Collection method: clinical testing. Allele origin: germline.

GeneDx
Classification: Benign. Last evaluated: 2021-08-19. Review status: criteria provided, single submitter. Criteria: GeneDx Variant Classification Process June 2021. Collection method: clinical testing. Allele origin: germline. Affected: yes.
Comment: This variant is associated with the following publications: (PMID: 25525159, 16157909, 32870915)

Illumina Laboratory Services, Illumina
Classification: Uncertain significance for Autosomal dominant Parkinson disease 8. Last evaluated: 2017-04-27. Review status: criteria provided, single submitter. Criteria: ICSL Variant Classification Criteria 13 December 2019. Collection method: clinical testing. Allele origin: germline.

Centre for Mendelian Genomics, University Medical Centre Ljubljana
Classification: Uncertain significance for Autosomal dominant Parkinson disease 8. Last evaluated: 2016-01-01. Review status: criteria provided, single submitter. Criteria: ACMG Guidelines, 2015. Collection method: clinical testing. Allele origin: unknown. Affected: yes.
Comment: This variant was classified as: Uncertain significance. The following ACMG criteria were applied in classifying this variant: PM1,PP3.